The following is an entry in ClinVar:

ClinVar aggregate classification (germline): Uncertain significance. Review status: criteria provided, multiple submitters, no conflicts (2 of 4 stars). 2 submissions from 2 submitters: Uncertain significance (2). Last evaluated 2025-01-09.

Conditions:
Inborn genetic diseases. Identifiers: MedGen C0950123, MeSH D030342.

gnomAD v4.1: 4 of 1,551,646 alleles (0.00026%); highest among the groups gnomAD compares: Admixed American, 0.0059%; no homozygotes.

Submissions (2):

Ambry Genetics
Classification: Uncertain significance for Inborn genetic diseases. Last evaluated: 2025-01-09. Review status: criteria provided, single submitter. Criteria: Ambry Variant Classification Scheme 2023. Collection method: clinical testing. Allele origin: germline.

Labcorp Genetics (formerly Invitae), Labcorp
Classification: Uncertain significance. Last evaluated: 2021-12-27. Review status: criteria provided, single submitter. Criteria: Invitae Variant Classification Sherloc (09022015). Collection method: clinical testing. Allele origin: germline.
Comment: This sequence change replaces leucine, which is neutral and non-polar, with methionine, which is neutral and non-polar, at codon 1139 of the LOXHD1 protein (p.Leu1139Met). This variant is not present in population databases (gnomAD no frequency). This variant has not been reported in the literature in individuals affected with LOXHD1-related conditions. Algorithms developed to predict the effect of missense changes on protein structure and function are either unavailable or do not agree on the potential impact of this missense change (SIFT: "Deleterious"; PolyPhen-2: "Probably Damaging"; Align-GVGD: "Class C0"). In summary, the available evidence is currently insufficient to determine the role of this variant in disease. Therefore, it has been classified as a Variant of Uncertain Significance.

NM_001384474.1(LOXHD1):c.3415C>A (p.Leu1139Met)

Gene: LOXHD1 (lipoxygenase homology PLAT domains 1; minus strand). Cytogenetic location: 18q21.1.
Variant type: single nucleotide variant.
Coding change: c.3415C>A on transcript NM_001384474.1 (MANE Select); coding-DNA position 3415, C replaced by A.
Protein change: p.Leu1139Met; replaces leucine 1139 with methionine.
Molecular consequence: missense variant. On other transcripts: 5 prime UTR variant (1).
Genome position (GRCh38, 1-based): chr18:46,546,994, G>T on the plus strand (C>A on the coding strand, the complement: LOXHD1 is on the minus strand). VCF-style: chr18-46546994-G-T. GRCh37 (hg19) VCF-style: chr18-44126957-G-T.
Other names: c.82C>A, p.Leu28Met (NM_001145472.3); c.-207C>A (NM_001308013.2); c.3415C>A, p.Leu1139Met (NM_144612.7); c.3415C>A (NM_144612.6); short protein forms L1139M, L28M.
Identifiers: ClinVar variation 1483593 (VCV001483593.6), dbSNP rs1254285738, ClinGen allele CA402367108.
Genomic context (GRCh38, chr18:46,546,994, plus strand): 5'-CACCGCCTCCCCTACCCTCCTCGCTCTGTGGCAGCACATAGGACTCATCCACTGGCAACA[G>T]CTCCCTGGACAGCTGGCCATCATCTTCCTCCACTGCCAGCCAACGTTGGCATGGAAAGTA-3'
Protein context (NP_001371403.1, residues 1129-1149): EEDDGQLSRE[Leu1139Met]LPVDESYVLP